The following is an entry in ClinVar:

NM_004655.4(AXIN2):c.1962C>A (p.Gly654=)

Gene: AXIN2 (axin 2; minus strand). Cytogenetic location: 17q24.1.
Variant type: single nucleotide variant.
Coding change: c.1962C>A on transcript NM_004655.4 (MANE Select); coding-DNA position 1962, C replaced by A.
Protein change: p.Gly654=; no amino-acid change (glycine 654 retained).
Molecular consequence: synonymous variant.
Genome position (GRCh38, 1-based): chr17:65,536,499, G>T on the plus strand (C>A on the coding strand, the complement: AXIN2 is on the minus strand). VCF-style: chr17-65536499-G-T. GRCh37 (hg19) VCF-style: chr17-63532617-G-T.
Other names: c.1962C>A (LRG_296t1); c.1767C>A, p.Gly589= (NM_001363813.1).
Identifiers: ClinVar variation 240001 (VCV000240001.34), dbSNP rs377642903, ClinGen allele CA8718448.

ClinVar aggregate classification (germline): Benign/Likely benign. Review status: criteria provided, multiple submitters, no conflicts (2 of 4 stars). 10 submissions from 10 submitters: Benign (6); Likely benign (3). 1 of the submissions does not count toward it. Last evaluated 2026-02-02.

Conditions:
Hereditary cancer-predisposing syndrome. Also called: Neoplastic Syndromes, Hereditary; Hereditary neoplastic syndrome; Tumor predisposition; Hereditary Cancer Syndrome. Identifiers: Orphanet 140162, MedGen C0027672, MeSH D009386, MONDO:0015356.
Oligodontia-cancer predisposition syndrome. Also called: TOOTH AGENESIS-COLORECTAL CANCER SYNDROME. Identifiers: Orphanet 300576, MedGen C1837750, MONDO:0012075, OMIM 608615. Disease mechanism: loss of function.

Allele frequency attached by ClinVar (database versions not stated): gnomAD 0.00001 and 0.00017; TOPMed 0.00006; ESP Exome Variant Server 0.00008; ExAC 0.00081; 1000 Genomes Project 30x 0.00125; 1000 Genomes Project 0.00140.
gnomAD v4.1: 492 of 1,613,856 alleles (0.03%); highest among the groups gnomAD compares: South Asian, 0.47%; 5 homozygotes.

Submissions (10):

Labcorp Genetics (formerly Invitae), Labcorp
Classification: Benign for Oligodontia-cancer predisposition syndrome. Last evaluated: 2026-02-02. Review status: criteria provided, single submitter. Criteria: Invitae Variant Classification Sherloc (09022015). Collection method: clinical testing. Allele origin: germline.

Center for Genomic Medicine, Rigshospitalet, Copenhagen University Hospital
Classification: Likely benign. Last evaluated: 2025-03-04. Review status: criteria provided, single submitter. Criteria: ACMG Guidelines, 2015. Collection method: clinical testing. Allele origin: germline.

Myriad Genetics, Inc.
Classification: Benign for Oligodontia-cancer predisposition syndrome. Last evaluated: 2024-07-09. Review status: criteria provided, single submitter. Criteria: Myriad Autosomal Dominant, Autosomal Recessive and X-Linked Classification Criteria (2023). Collection method: clinical testing. Allele origin: unknown.
Comment: This variant is considered benign. This variant is a silent/synonymous amino acid change and it is not expected to impact splicing.

KCCC/NGS Laboratory, Kuwait Cancer Control Center
Classification: Benign for Oligodontia-cancer predisposition syndrome. Last evaluated: 2023-07-07. Review status: criteria provided, single submitter. Criteria: ACMG Guidelines, 2015. Collection method: clinical testing. Allele origin: germline. Affected: yes.

Quest Diagnostics Nichols Institute San Juan Capistrano
Classification: Benign. Last evaluated: 2023-05-23. Review status: criteria provided, single submitter. Criteria: Quest Diagnostics criteria. Collection method: clinical testing. Allele origin: unknown.

Sema4
Classification: Benign for Hereditary cancer-predisposing syndrome. Last evaluated: 2021-05-18. Review status: criteria provided, single submitter. Criteria: Sema4 Curation Guidelines. Collection method: curation. Allele origin: germline.

GeneDx
Classification: Likely benign. Last evaluated: 2020-12-08. Review status: criteria provided, single submitter. Criteria: GeneDx Variant Classification Process June 2021. Collection method: clinical testing. Allele origin: germline. Affected: yes.

Ambry Genetics
Classification: Likely benign for Hereditary cancer-predisposing syndrome. Last evaluated: 2018-10-29. Review status: criteria provided, single submitter. Criteria: Ambry Variant Classification Scheme 2023. Collection method: clinical testing. Allele origin: germline.

Illumina Laboratory Services, Illumina
Classification: Benign for Oligodontia-cancer predisposition syndrome. Last evaluated: 2018-01-12. Review status: criteria provided, single submitter. Criteria: ICSL Variant Classification Criteria 13 December 2019. Collection method: clinical testing. Allele origin: germline.
Comment: This variant was observed in the ICSL laboratory as part of a predisposition screen in an ostensibly healthy population. It had not been previously curated by ICSL or reported in the Human Gene Mutation Database (HGMD: prior to June 1st, 2018), and was therefore a candidate for classification through an automated scoring system. Utilizing variant allele frequency, disease prevalence and penetrance estimates, and inheritance mode, an automated score was calculated to assess if this variant is too frequent to cause the disease. Based on the score and internal cut-off values, a variant classified as benign is not then subjected to further curation. The score for this variant resulted in a classification of benign for this disease.

Mayo Clinic Laboratories, Mayo Clinic
Classification: Likely benign. Review status: no assertion criteria provided. Collection method: clinical testing. Allele origin: unknown. Not counted in ClinVar's aggregate classification.